The following is an entry in ClinVar:

NM_000388.4(CASR):c.178T>C (p.Cys60Arg)

Gene: CASR (calcium sensing receptor; plus strand). Cytogenetic location: 3q21.1.
Variant type: single nucleotide variant.
Coding change: c.178T>C on transcript NM_000388.4 (MANE Select); coding-DNA position 178, T replaced by C.
Protein change: p.Cys60Arg; replaces cysteine 60 with arginine.
Molecular consequence: missense variant.
Genome position (GRCh38, 1-based): chr3:122,254,367, T>C. VCF-style: chr3-122254367-T-C. GRCh37 (hg19) VCF-style: chr3-121973214-T-C.
Other names: c.178T>C, p.Cys60Arg (NM_001178065.2); short protein forms C60R.
Identifiers: ClinVar variation 2629751 (VCV002629751.1), dbSNP rs2473205862, ClinGen allele CA354362300.

ClinVar aggregate classification (germline): Uncertain significance (1 of 4 stars; one submission).

Conditions:
CASR-related disorder. Also called: CASR-related condition.

Submission:

PreventionGenetics, part of Exact Sciences
Classification: Uncertain significance for CASR-related condition. Last evaluated: 2023-01-18. Review status: criteria provided, single submitter. Criteria: ACMG Guidelines, 2015. Collection method: clinical testing. Allele origin: germline.
Comment: The CASR c.178T>C variant is predicted to result in the amino acid substitution p.Cys60Arg. This variant was reported in an individual with Hypercalcaemia, hypocalciuric (García-Castaño et al 2019. PubMed ID: 30407919). This variant has not been reported in a large population database, indicating this variant is rare. Although we suspect that this variant may be pathogenic, at this time, the clinical significance of this variant is uncertain due to the absence of conclusive functional and genetic evidence.